The following is an entry in ClinVar:

NM_001277115.2(DNAH11):c.4833A>C (p.Glu1611Asp)

Gene: DNAH11 (dynein axonemal heavy chain 11; plus strand). Cytogenetic location: 7p15.3.
Variant type: single nucleotide variant.
Coding change: c.4833A>C on transcript NM_001277115.2 (MANE Select); coding-DNA position 4833, A replaced by C.
Protein change: p.Glu1611Asp; replaces glutamic acid 1611 with aspartic acid.
Molecular consequence: missense variant.
Genome position (GRCh38, 1-based): chr7:21,638,954, A>C. VCF-style: chr7-21638954-A-C. GRCh37 (hg19) VCF-style: chr7-21678572-A-C.
Other names: short protein forms E1611D.
Identifiers: ClinVar variation 4605865 (VCV004605865.1).

ClinVar aggregate classification (germline): Uncertain significance (1 of 4 stars; one submission).

Conditions:
Primary ciliary dyskinesia. Also called: Ciliary dyskinesia. Identifiers: Orphanet 244, MedGen C0008780, MONDO:0016575, HP:0012265.

Submission:

Ambry Genetics
Classification: Uncertain significance for Primary ciliary dyskinesia. Last evaluated: 2025-11-24. Review status: criteria provided, single submitter. Criteria: Ambry Variant Classification Scheme 2023. Collection method: clinical testing. Allele origin: germline.
Comment: The p.E1611D variant (also known as c.4833A>C), located in coding exon 28 of the DNAH11 gene, results from an A to C substitution at nucleotide position 4833. The glutamic acid at codon 1611 is replaced by aspartic acid, an amino acid with highly similar properties. This amino acid position is conserved. In addition, this alteration is predicted to be tolerated by in silico analysis. Based on the available evidence, the clinical significance of this variant remains unclear.